The following is an entry in ClinVar:

NM_007294.4(BRCA1):c.4923T>C (p.Ala1641=)

Gene: BRCA1 (BRCA1 DNA repair associated; minus strand). Cytogenetic location: 17q21.31.
Variant type: single nucleotide variant.
Coding change: c.4923T>C on transcript NM_007294.4 (MANE Select); coding-DNA position 4923, T replaced by C.
Protein change: p.Ala1641=; no amino-acid change (alanine 1641 retained).
Molecular consequence: synonymous variant. On other transcripts: intron variant (1).
Genome position (GRCh38, 1-based): chr17:43,070,991, A>G on the plus strand (T>C on the coding strand, the complement: BRCA1 is on the minus strand). VCF-style: chr17-43070991-A-G. GRCh37 (hg19) VCF-style: chr17-41223008-A-G.
Other names: c.1401T>C, p.Ala467= (NM_001408481.1, NM_001408482.1, NM_001408483.1 and 5 more transcripts); c.1398T>C, p.Ala466= (NM_001408492.1, NM_001408493.1); c.1374T>C, p.Ala458= (NM_001408494.1); c.1368T>C, p.Ala456= (NM_001408495.1); c.1350T>C, p.Ala450= (NM_001408496.1, NM_001408497.1, NM_001408498.1 and 3 more transcripts); c.1347T>C, p.Ala449= (NM_001408502.1, NM_001408503.1, NM_001408504.1); c.1344T>C, p.Ala448= (NM_001408505.1); c.1287T>C, p.Ala429= (NM_001408506.1); and 71 more.
Identifiers: ClinVar variation 868413 (VCV000868413.4), dbSNP rs876658258, ClinGen allele CA500231648.

ClinVar aggregate classification (germline): Benign (1 of 4 stars; one submission).

Conditions:
Hereditary cancer-predisposing syndrome. Also called: Neoplastic Syndromes, Hereditary; Tumor predisposition; Hereditary Cancer Syndrome; Hereditary neoplastic syndrome. Identifiers: Orphanet 140162, MedGen C0027672, MeSH D009386, MONDO:0015356.

Submissions (2):

Molecular Diagnostics Laboratory, Catalan Institute of Oncology
Classification: Benign for Hereditary cancer-predisposing syndrome. Last evaluated: 2025-08-19. Review status: criteria provided, single submitter. Criteria: ClinGen BRCA1BRCA2 ACMG Specifications BRCA1 V1.0.0. Collection method: clinical testing. Allele origin: germline.
Comment: PM2_Supporting, BS3, BP1_Strong c.4923T>C, located in exon 15 (16 according BIC nomenclature) of the BRCA1 gene, is predicted to result in no amino acid change, p.(Ala1641=). This position is outside a (potentially) clinically important functional domain and, the SpliceAI algorithm predicts no significant impact on splicing (BP1_Strong). It is not present in the population database gnomAD v2.1.1, non cancer dataset (PM2_Supporting). BRCA1 c.4923T>C was reported by one calibrated study incorporating mRNA splicing effects to affect function similar to benign control variants (PMID: 30209399) (BS3). To our knowledge, no relevant clinical data have been reported for this variant. In addition, it has been identified in the BRCA Exchange database (not yet reviewed), but it is not present in the ClinVar nor LOVD databases. Based on the currently available evidence, c.4923T>C is classified as a benign variant according to ClinGen-BRCA1 Guidelines v.1.0.0.

Brotman Baty Institute, University of Washington
No classification provided (evidence only). Condition: Breast-ovarian cancer, familial 1. Review status: no classification provided. Collection method: in vitro. Allele origin: not applicable. Functional consequence: functionally_normal. Not counted in ClinVar's aggregate classification.
ClinVar note: "not provided" was previously submitted as the classification for the variant. However, the classification appeared to be based only on an observation of functional data so it was converted to no classification on 2025-07-30.